The following is an entry in ClinVar:

ClinVar aggregate classification (germline): Uncertain significance. Review status: criteria provided, multiple submitters, no conflicts (2 of 4 stars). 3 submissions from 3 submitters: Uncertain significance (2). 1 of the submissions does not count toward it. Last evaluated 2025-05-08.

Conditions:
Epsilon-trimethyllysine hydroxylase deficiency. Also called: Autism, susceptibility to, X-linked 6. Identifiers: MedGen C3550875, MONDO:0010469, OMIM 300872.

Allele frequency attached by ClinVar (database versions not stated): gnomAD exomes 0.00206; gnomAD 0.00571; ExAC 0.00840.

Submissions (3):

Greenwood Genetic Center Diagnostic Laboratories, Greenwood Genetic Center
Classification: Uncertain significance. Last evaluated: 2025-05-08. Review status: criteria provided, single submitter. Criteria: ACMG Guidelines, 2015. Collection method: clinical testing. Allele origin: germline. Affected: yes.
Comment: No Rules Apply

Mendelics
Classification: Uncertain significance. Last evaluated: 2022-05-04. Review status: criteria provided, single submitter. Criteria: Mendelics Assertion Criteria 2019. Collection method: clinical testing. Allele origin: germline.

OMIM
Classification: risk factor for AUTISM, SUSCEPTIBILITY TO, X-LINKED 6. Last evaluated: 2012-10-23. Review status: no assertion criteria provided. Collection method: literature only. Allele origin: germline. Not counted in ClinVar's aggregate classification.

Literature cited by the submitters: PubMed 23092983 (cited by OMIM).

NM_018196.4(TMLHE):c.1107G>T (p.Glu369Asp)

Genes: TMLHE (trimethyllysine hydroxylase, epsilon; minus strand), TMLHE-AS1 (TMLHE antisense RNA 1; plus strand). Cytogenetic location: Xq28.
Variant type: single nucleotide variant.
Coding change: c.1107G>T on transcript NM_018196.4 (MANE Select); coding-DNA position 1107, G replaced by T.
Protein change: p.Glu369Asp; replaces glutamic acid 369 with aspartic acid.
Molecular consequence: missense variant.
Genome position (GRCh38, 1-based): chrX:155,492,384, C>A on the plus strand (G>T on the coding strand, the complement: TMLHE is on the minus strand). VCF-style: chrX-155492384-C-A. GRCh37 (hg19) VCF-style: chrX-154722045-C-A.
Other names: short protein forms E369D.
Identifiers: ClinVar variation 225230 (VCV000225230.3), dbSNP rs782001959, ClinGen allele CA358669.